The following is an entry in ClinVar:

NM_000540.3(RYR1):c.10477C>T (p.Arg3493Cys)

Gene: RYR1 (ryanodine receptor 1; plus strand). Cytogenetic location: 19q13.2.
Variant type: single nucleotide variant.
Coding change: c.10477C>T on transcript NM_000540.3 (MANE Select); coding-DNA position 10477, C replaced by T.
Protein change: p.Arg3493Cys; replaces arginine 3493 with cysteine.
Molecular consequence: missense variant.
Genome position (GRCh38, 1-based): chr19:38,525,353, C>T. VCF-style: chr19-38525353-C-T. GRCh37 (hg19) VCF-style: chr19-39015993-C-T.
Other names: c.10462C>T, p.Arg3488Cys (NM_001042723.2); short protein forms R3488C, R3493C.
Identifiers: ClinVar variation 979086 (VCV000979086.2), dbSNP rs750367227, ClinGen allele CA053817.

ClinVar aggregate classification (germline): Uncertain significance. Review status: criteria provided, multiple submitters, no conflicts (2 of 4 stars). 2 submissions from 2 submitters: Uncertain significance (2). Last evaluated 2023-09-15.

Conditions:
Malignant hyperthermia, susceptibility to, 1 (MHS1). Also called: Anesthesia related hyperthermia; Malignant hyperpyrexia; Fulminating hyperpyrexia; Pharmacogenic myopathy; Malignant hyperthermia suceptibility 1; RYR1-Related Malignant Hyperthermia Susceptibility. Identifiers: Orphanet 423, MedGen C2930980, MONDO:0007783, OMIM 145600.

Allele frequency attached by ClinVar (database versions not stated): gnomAD exomes below 0.00001; TOPMed below 0.00001; ExAC 0.00001.
gnomAD v4.1: 4 of 1,613,888 alleles (0.00025%); highest among the groups gnomAD compares: African/African-American, 0.0013%; no homozygotes.

Submissions (2):

Color Diagnostics, LLC DBA Color Health
Classification: Uncertain significance for Malignant hyperthermia, susceptibility to, 1. Last evaluated: 2023-09-15. Review status: criteria provided, single submitter. Criteria: ACMG Guidelines, 2015. Collection method: clinical testing. Allele origin: germline.
Comment: This missense variant replaces arginine with cysteine at codon 3493 of the RYR1 protein. Computational prediction is inconclusive regarding the impact of this variant on protein structure and function (internally defined REVEL score threshold 0.5 < inconclusive < 0.7, PMID: 27666373). To our knowledge, functional studies have not been reported for this variant. This variant has not been reported in individuals affected with RYR1-related disorders in the literature. This variant has been identified in 1/251084 chromosomes in the general population by the Genome Aggregation Database (gnomAD). The available evidence is insufficient to determine the role of this variant in disease conclusively. Therefore, this variant is classified as a Variant of Uncertain Significance.

Human Genome Sequencing Center Clinical Lab, Baylor College of Medicine
Classification: Uncertain significance for Malignant hyperthermia suceptibility 1. Review status: criteria provided, single submitter. Criteria: ACMG Guidelines, 2015. Collection method: clinical testing. Allele origin: germline.